The following is an entry in ClinVar:

NM_032444.4(SLX4):c.5304G>C (p.Gln1768His)

Gene: SLX4 (SLX4 structure-specific endonuclease subunit; minus strand). Cytogenetic location: 16p13.3.
Variant type: single nucleotide variant.
Coding change: c.5304G>C on transcript NM_032444.4 (MANE Select); coding-DNA position 5304, G replaced by C.
Protein change: p.Gln1768His; replaces glutamine 1768 with histidine.
Molecular consequence: missense variant.
Genome position (GRCh38, 1-based): chr16:3,582,543, C>G on the plus strand (G>C on the coding strand, the complement: SLX4 is on the minus strand). VCF-style: chr16-3582543-C-G. GRCh37 (hg19) VCF-style: chr16-3632544-C-G.
Other names: c.5304G>C (LRG_503t1); short protein forms Q1768H.
Identifiers: ClinVar variation 526426 (VCV000526426.8), dbSNP rs1555449297, ClinGen allele CA394513775.

ClinVar aggregate classification (germline): Uncertain significance. Review status: criteria provided, multiple submitters, no conflicts (2 of 4 stars). 2 submissions from 2 submitters: Uncertain significance (2). Last evaluated 2024-04-16.

Conditions:
Fanconi anemia (FA). Also called: Fanconi's anemia. Identifiers: Orphanet 84, MedGen C0015625, MeSH D005199, MONDO:0019391.
Fanconi anemia complementation group P. Also called: SLX4-Related Fanconi Anemia. Identifiers: Orphanet 84, MedGen C3469542, MONDO:0013499, OMIM 613951.

Allele frequency attached by ClinVar (database versions not stated): gnomAD exomes below 0.00001; gnomAD 0.00001; TOPMed 0.00002.
gnomAD v4.1: 2 of 1,613,868 alleles (0.00012%); highest among the groups gnomAD compares: African/African-American, 0.0027%; no homozygotes.

Submissions (2):

Fulgent Genetics
Classification: Uncertain significance for Fanconi anemia complementation group P. Last evaluated: 2024-04-16. Review status: criteria provided, single submitter. Criteria: ACMG Guidelines, 2015. Collection method: clinical testing. Allele origin: germline.

Labcorp Genetics (formerly Invitae), Labcorp
Classification: Uncertain significance for Fanconi anemia. Last evaluated: 2021-08-27. Review status: criteria provided, single submitter. Criteria: Invitae Variant Classification Sherloc (09022015). Collection method: clinical testing. Allele origin: germline.
Comment: This sequence change replaces glutamine with histidine at codon 1768 of the SLX4 protein (p.Gln1768His). The glutamine residue is weakly conserved and there is a small physicochemical difference between glutamine and histidine. This variant is not present in population databases (ExAC no frequency). This variant has not been reported in the literature in individuals affected with SLX4-related conditions. Algorithms developed to predict the effect of missense changes on protein structure and function (SIFT, PolyPhen-2, Align-GVGD) all suggest that this variant is likely to be tolerated. In summary, the available evidence is currently insufficient to determine the role of this variant in disease. Therefore, it has been classified as a Variant of Uncertain Significance.